The following is an entry in ClinVar:

ClinVar aggregate classification (germline): Uncertain significance. Review status: criteria provided, multiple submitters, no conflicts (2 of 4 stars). 10 submissions from 8 submitters: Uncertain significance (10). Last evaluated 2025-10-22.

Conditions:
Central core myopathy (CMYO1A). Also called: CONGENITAL MYOPATHY 1A, AUTOSOMAL DOMINANT, WITH SUSCEPTIBILITY TO MALIGNANT HYPERTHERMIA; Central core disease; Myopathy, central fibrillar. Identifiers: Orphanet 597, MedGen C5830701, MONDO:0007294, OMIM 117000.
Malignant hyperthermia, susceptibility to, 1 (MHS1). Also called: Malignant hyperthermia suceptibility 1; Anesthesia related hyperthermia; Malignant hyperpyrexia; Fulminating hyperpyrexia; Pharmacogenic myopathy; RYR1-Related Malignant Hyperthermia Susceptibility. Identifiers: Orphanet 423, MedGen C2930980, MONDO:0007783, OMIM 145600.
Congenital myopathy with fiber type disproportion. Also called: Congenital fiber-type disproportion; Congenital fiber-type disproportion myopathy. Identifiers: Orphanet 2020, MedGen C0546264, MONDO:0009711. Inheritance: all.
King Denborough syndrome (KDS). Identifiers: MedGen C1840365, MONDO:0020485, OMIM 619542.
Congenital multicore myopathy with external ophthalmoplegia (CMYO1B). Also called: Congenital myopathy 1B, autosomal recessive; Minicore myopathy; MULTIMINICORE DISEASE WITH EXTERNAL OPHTHALMOPLEGIA; Minicore myopathy with external ophthalmoplegia; MULTICORE MYOPATHY. Identifiers: Orphanet 598, Orphanet 98905, MedGen C1850674, MONDO:0009712, OMIM 255320, HP:0003789.
RYR1-related disorder. Also called: RYR1-related condition; RYR1-related disorders. Identifiers: MedGen CN239331.
Myopathy, RYR1-associated.

Allele frequency attached by ClinVar (database versions not stated): gnomAD exomes 0.00001 and 0.00004; ExAC 0.00002; TOPMed 0.00002; ESP Exome Variant Server 0.00015.

Submissions (10):

PreventionGenetics, part of Exact Sciences
Classification: Uncertain significance for RYR1-related condition. Last evaluated: 2025-10-22. Review status: criteria provided, single submitter. Criteria: ACMG Guidelines, 2015. Collection method: clinical testing. Allele origin: germline.
Comment: The RYR1 c.8377C>T variant is predicted to result in the amino acid substitution p.Pro2793Ser. This variant has been reported in cohorts of individuals with suspected RYR1-related myopathies or malignant hyperthermia; however, detailed clinical information was not available (Table S2, Kushnir et al. 2020. PubMed ID: 32236737; Table S2, Endo et al. 2022. PubMed ID: 35697689). This variant is reported in 0.0029% of alleles in individuals of Latino descent in gnomAD. At this time, the clinical significance of this variant is uncertain due to the absence of conclusive functional and genetic evidence.

Labcorp Genetics (formerly Invitae), Labcorp
Classification: Uncertain significance for RYR1-related disorder. Last evaluated: 2025-07-03. Review status: criteria provided, single submitter. Criteria: Invitae Variant Classification Sherloc (09022015). Collection method: clinical testing. Allele origin: germline.
Comment: This sequence change replaces proline, which is neutral and non-polar, with serine, which is neutral and polar, at codon 2793 of the RYR1 protein (p.Pro2793Ser). This variant is present in population databases (rs369040621, gnomAD 0.003%). This missense change has been observed in individual(s) with malignant hyperthermia susceptibility (PMID: 35697689). ClinVar contains an entry for this variant (Variation ID: 890999). Invitae Evidence Modeling of protein sequence and biophysical properties (such as structural, functional, and spatial information, amino acid conservation, physicochemical variation, residue mobility, and thermodynamic stability) indicates that this missense variant is expected to disrupt RYR1 protein function with a positive predictive value of 80%. In summary, the available evidence is currently insufficient to determine the role of this variant in disease. Therefore, it has been classified as a Variant of Uncertain Significance.

All of Us Research Program, National Institutes of Health
Classification: Uncertain significance for Malignant hyperthermia, susceptibility to, 1. Last evaluated: 2024-05-14. Review status: criteria provided, single submitter. Criteria: ACMG Guidelines, 2015. Collection method: clinical testing. Allele origin: germline. Inheritance: Autosomal dominant inheritance. Observed: 16 variant alleles, 16 heterozygotes.
Comment: This missense variant replaces proline with serine at codon 2793 of the RYR1 protein. Computational prediction suggests that this variant may have deleterious impact on protein structure and function (internally defined REVEL score threshold >= 0.7, PMID: 27666373). To our knowledge, functional studies have not been reported for this variant. This variant has not been reported in individuals affected with RYR1-related disorders in the literature. This variant has been identified in 3/247100 chromosomes in the general population by the Genome Aggregation Database (gnomAD). The available evidence is insufficient to determine the role of this variant in disease conclusively. Therefore, this variant is classified as a Variant of Uncertain Significance.

This study involves interpretation of variants in research participants for the purpose of population health screening. Participant phenotype was not available at the time of variant classification. Additional details can be found in publication PMID: 35346344, PMCID: PMC8962531

Women's Health and Genetics/Laboratory Corporation of America, LabCorp
Classification: Uncertain significance. Last evaluated: 2024-04-23. Review status: criteria provided, single submitter. Criteria: LabCorp Variant Classification Summary - May 2015. Collection method: clinical testing. Allele origin: germline.
Comment: Variant summary: RYR1 c.8377C>T (p.Pro2793Ser) results in a non-conservative amino acid change located in the Ryanodine receptor Ryr domain (IPR003032) of the encoded protein sequence. Five of five in-silico tools predict a damaging effect of the variant on protein function. The variant allele was found at a frequency of 1.2e-05 in 247100 control chromosomes (gnomAD). The available data on variant occurrences in the general population are insufficient to allow any conclusion about variant significance. c.8377C>T has been reported in the literature in an individual(s) affected with Malignant Hyperthermia without strong evidence of causality (e.g. Endo_2022). This report does not provide unequivocal conclusions about association of the variant with Malignant Hyperthermia Susceptibility. To our knowledge, no experimental evidence demonstrating an impact on protein function has been reported. The following publication has been ascertained in the context of this evaluation (PMID: 35697689). ClinVar contains an entry for this variant (Variation ID: 890999). Based on the evidence outlined above, the variant was classified as uncertain significance.

GeneDx
Classification: Uncertain significance. Last evaluated: 2024-04-12. Review status: criteria provided, single submitter. Criteria: GeneDx Variant Classification Process June 2021. Collection method: clinical testing. Allele origin: germline. Affected: yes.
Comment: Has not been previously published as pathogenic or benign to our knowledge; Not observed at significant frequency in large population cohorts (gnomAD); Reported in ClinVar but additional evidence is not available (ClinVar Variant ID#890999); In silico analysis supports that this missense variant has a deleterious effect on protein structure/function; This variant is associated with the following publications: (PMID: 12668474)

Color Diagnostics, LLC DBA Color Health
Classification: Uncertain significance for Malignant hyperthermia, susceptibility to, 1. Last evaluated: 2024-03-06. Review status: criteria provided, single submitter. Criteria: ACMG Guidelines, 2015. Collection method: clinical testing. Allele origin: germline.
Comment: This missense variant replaces proline with serine at codon 2793 of the RYR1 protein. Computational prediction suggests that this variant may not impact protein structure and function. To our knowledge, functional studies have not been reported for this variant. This variant has not been reported in individuals affected with RYR1-related disorders in the literature. This variant has been identified in 3/247100 chromosomes in the general population by the Genome Aggregation Database (gnomAD). The available evidence is insufficient to determine the role of this variant in disease conclusively. Therefore, this variant is classified as a Variant of Uncertain Significance.

Fulgent Genetics
Classification: Uncertain significance for Central core myopathy; Malignant hyperthermia, susceptibility to, 1; Congenital myopathy 4A, autosomal dominant; Congenital multicore myopathy with external ophthalmoplegia; King Denborough syndrome. Last evaluated: 2021-08-24. Review status: criteria provided, single submitter. Criteria: ACMG Guidelines, 2015. Collection method: clinical testing. Allele origin: unknown.

Illumina Laboratory Services, Illumina
Classification: Uncertain significance for Central core myopathy. Last evaluated: 2017-04-27. Review status: criteria provided, single submitter. Criteria: ICSL Variant Classification Criteria 13 December 2019. Collection method: clinical testing. Allele origin: germline.

Illumina Laboratory Services, Illumina
Classification: Uncertain significance for Congenital multicore myopathy with external ophthalmoplegia. Last evaluated: 2017-04-27. Review status: criteria provided, single submitter. Criteria: ICSL Variant Classification Criteria 13 December 2019. Collection method: clinical testing. Allele origin: germline.

Illumina Laboratory Services, Illumina
Classification: Uncertain significance for Malignant hyperthermia, susceptibility to, 1. Last evaluated: 2017-04-27. Review status: criteria provided, single submitter. Criteria: ICSL Variant Classification Criteria 13 December 2019. Collection method: clinical testing. Allele origin: germline.

Literature cited by the submitters: PubMed 35697689 (cited by Labcorp Genetics (formerly Invitae), Labcorp and Women's Health and Genetics/Laboratory Corporation of America, LabCorp).

NM_000540.3(RYR1):c.8377C>T (p.Pro2793Ser)

Genes: RYR1 (ryanodine receptor 1; plus strand), LOC126862902 (BRD4-independent group 4 enhancer GRCh37_chr19:38995830-38997029; plus strand). Cytogenetic location: 19q13.2.
Variant type: single nucleotide variant.
Coding change: c.8377C>T on transcript NM_000540.3 (MANE Select); coding-DNA position 8377, C replaced by T.
Protein change: p.Pro2793Ser; replaces proline 2793 with serine.
Molecular consequence: missense variant.
Genome position (GRCh38, 1-based): chr19:38,505,375, C>T. VCF-style: chr19-38505375-C-T. GRCh37 (hg19) VCF-style: chr19-38996015-C-T.
Other names: c.8377C>T, p.Pro2793Ser (NM_001042723.2); short protein forms P2793S.
Identifiers: ClinVar variation 890999 (VCV000890999.15), dbSNP rs369040621, ClinGen allele CA071904.